The following is an entry in ClinVar:

NM_006015.6(ARID1A):c.358C>T (p.Pro120Ser)

Gene: ARID1A (AT-rich interaction domain 1A; plus strand). Cytogenetic location: 1p36.11.
Variant type: single nucleotide variant.
Coding change: c.358C>T on transcript NM_006015.6 (MANE Select); coding-DNA position 358, C replaced by T.
Protein change: p.Pro120Ser; replaces proline 120 with serine.
Molecular consequence: missense variant.
Genome position (GRCh38, 1-based): chr1:26,696,761, C>T. VCF-style: chr1-26696761-C-T. GRCh37 (hg19) VCF-style: chr1-27023252-C-T.
Other names: c.358C>T (LRG_875t1); c.358C>T, p.Pro120Ser (NM_139135.4); short protein forms P120S.
Identifiers: ClinVar variation 434332 (VCV000434332.41), dbSNP rs571264557, ClinGen allele CA706585.
Genomic context (GRCh38, chr1:26,696,761, plus strand): 5'-CTGAAGAACTCGAACGGGAACGCGGGCCCTAGGCCCGCCCTGAACAATAACCTCACGGAG[C>T]CGCCCGGCGGCGGCGGTGGCGGCAGCAGCGATGGGGTGGGGGCGCCTCCTCACTCAGCCG-3'
Protein context (NP_006006.3, residues 110-130): RPALNNNLTE[Pro120Ser]PGGGGGGSSD

ClinVar aggregate classification (germline): Conflicting classifications of pathogenicity. Review status: criteria provided, conflicting classifications (1 of 4 stars). 6 submissions from 6 submitters: Uncertain significance (1); Benign (3); Likely benign (1). 1 of the submissions does not count toward it. Last evaluated 2026-07-01.

Conditions:
ARID1A-related disorder. Also called: ARID1A-related condition.

Allele frequency attached by ClinVar (database versions not stated): gnomAD exomes 0.00027; ExAC 0.00102; 1000 Genomes Project 30x 0.00390; 1000 Genomes Project 0.00459; gnomAD 0.00522 and 0.00572; TOPMed 0.00595.
gnomAD v4.1: 1,238 of 1,352,836 alleles (0.092%); highest among the groups gnomAD compares: African/African-American, 1.8%; 16 homozygotes.

Submissions (6):

CeGaT Center for Human Genetics Tuebingen
Classification: Benign. Last evaluated: 2026-07-01. Review status: criteria provided, single submitter. Criteria: CeGaT Center For Human Genetics Tuebingen Variant Classification Criteria Version 2. Collection method: clinical testing. Allele origin: germline. Affected: yes. Observed: 3 variant alleles.
Comment: ARID1A: BS1, BS2

Labcorp Genetics (formerly Invitae), Labcorp
Classification: Benign. Last evaluated: 2026-02-03. Review status: criteria provided, single submitter. Criteria: Invitae Variant Classification Sherloc (09022015). Collection method: clinical testing. Allele origin: germline.

Blueprint Genetics
Classification: Likely benign. Last evaluated: 2024-08-28. Review status: criteria provided, single submitter. Criteria: ACMG Guidelines, 2015. Collection method: clinical testing. Allele origin: germline.

GeneDx
Classification: Benign. Last evaluated: 2020-03-23. Review status: criteria provided, single submitter. Criteria: GeneDx Variant Classification Process June 2021. Collection method: clinical testing. Allele origin: germline. Affected: yes.
Comment: This variant is associated with the following publications: (PMID: 23906836)

Genetic Services Laboratory, University of Chicago
Classification: Uncertain significance. Last evaluated: 2016-05-26. Review status: criteria provided, single submitter. Criteria: ACMG Guidelines, 2015. Collection method: clinical testing. Allele origin: germline. Affected: no.

PreventionGenetics, part of Exact Sciences
Classification: Benign for ARID1A-related condition. Last evaluated: 2019-02-26. Review status: no assertion criteria provided. Collection method: clinical testing. Allele origin: germline. Not counted in ClinVar's aggregate classification.
Comment: This variant is classified as benign based on ACMG/AMP sequence variant interpretation guidelines (Richards et al. 2015 PMID: 25741868, with internal and published modifications).